The following is an entry in ClinVar:

ClinVar aggregate classification (germline): Uncertain significance (1 of 4 stars; one submission).

Allele frequency attached by ClinVar (database versions not stated): TOPMed below 0.00001; ExAC 0.00001; gnomAD 0.00001; gnomAD exomes 0.00001; ESP Exome Variant Server 0.00008.
gnomAD v4.1: 18 of 1,612,504 alleles (0.0011%); highest among the groups gnomAD compares: South Asian, 0.0022%; no homozygotes.

Submission:

Labcorp Genetics (formerly Invitae), Labcorp
Classification: Uncertain significance. Last evaluated: 2024-04-08. Review status: criteria provided, single submitter. Criteria: Invitae Variant Classification Sherloc (09022015). Collection method: clinical testing. Allele origin: germline.
Comment: This sequence change replaces arginine, which is basic and polar, with cysteine, which is neutral and slightly polar, at codon 410 of the MME protein (p.Arg410Cys). This variant is present in population databases (rs369531733, gnomAD 0.003%). This variant has not been reported in the literature in individuals affected with MME-related conditions. ClinVar contains an entry for this variant (Variation ID: 1462752). Advanced modeling of protein sequence and biophysical properties (such as structural, functional, and spatial information, amino acid conservation, physicochemical variation, residue mobility, and thermodynamic stability) performed at Invitae indicates that this missense variant is not expected to disrupt MME protein function with a negative predictive value of 80%. In summary, the available evidence is currently insufficient to determine the role of this variant in disease. Therefore, it has been classified as a Variant of Uncertain Significance.

NM_007289.4(MME):c.1228C>T (p.Arg410Cys)

Gene: MME (membrane metalloendopeptidase; plus strand). Cytogenetic location: 3q25.2.
Variant type: single nucleotide variant.
Coding change: c.1228C>T on transcript NM_007289.4 (MANE Select); coding-DNA position 1228, C replaced by T.
Protein change: p.Arg410Cys; replaces arginine 410 with cysteine.
Molecular consequence: missense variant.
Genome position (GRCh38, 1-based): chr3:155,143,482, C>T. VCF-style: chr3-155143482-C-T. GRCh37 (hg19) VCF-style: chr3-154861271-C-T.
Other names: c.1228C>T, p.Arg410Cys (NM_000902.5, NM_001354642.2, NM_001354643.1 and 2 more transcripts); short protein forms R410C.
Identifiers: ClinVar variation 1462752 (VCV001462752.8), dbSNP rs369531733, ClinGen allele CA2675431.